The following is an entry in ClinVar:

ClinVar aggregate classification (germline): Uncertain significance (1 of 4 stars; one submission).

Submission:

Ambry Genetics
Classification: Uncertain significance. Last evaluated: 2022-09-20. Review status: criteria provided, single submitter. Criteria: Ambry Variant Classification Scheme 2023. Collection method: clinical testing. Allele origin: germline.
Comment: The p.D221E variant (also known as c.663C>G), located in coding exon 1 of the EGLN2 gene, results from a C to G substitution at nucleotide position 663. The aspartic acid at codon 221 is replaced by glutamic acid, an amino acid with highly similar properties. This amino acid position is conserved. In addition, this alteration is predicted to be tolerated by in silico analysis. Since supporting evidence is limited at this time, the clinical significance of this alteration remains unclear.

NM_080732.4(EGLN2):c.663C>G (p.Asp221Glu)

Genes: EGLN2 (egl-9 family hypoxia inducible factor 2; plus strand), RAB4B-EGLN2 (RAB4B-EGLN2 readthrough (NMD candidate); plus strand). Cytogenetic location: 19q13.2.
Variant type: single nucleotide variant.
Coding change: c.663C>G on transcript NM_080732.4 (MANE Select); coding-DNA position 663, C replaced by G.
Protein change: p.Asp221Glu; replaces aspartic acid 221 with glutamic acid.
Molecular consequence: missense variant. On other transcripts: non-coding transcript variant (1).
Genome position (GRCh38, 1-based): chr19:40,801,235, C>G. VCF-style: chr19-40801235-C-G. GRCh37 (hg19) VCF-style: chr19-41307140-C-G.
Other names: c.663C>G, p.Asp221Glu (NM_053046.4); short protein forms D221E.
Identifiers: ClinVar variation 1754614 (VCV001754614.2), dbSNP rs150973573, ClinGen allele CA405955723.